The following is an entry in ClinVar:

NM_002755.4(MAP2K1):c.693+10G>A

Gene: MAP2K1 (mitogen-activated protein kinase kinase 1; plus strand). Cytogenetic location: 15q22.31.
Variant type: single nucleotide variant.
Coding change: c.693+10G>A on transcript NM_002755.4 (MANE Select); 10 bases into the intron after coding-DNA position 693, G replaced by A.
Molecular consequence: intron variant.
Genome position (GRCh38, 1-based): chr15:66,481,889, G>A. VCF-style: chr15-66481889-G-A. GRCh37 (hg19) VCF-style: chr15-66774227-G-A.
Identifiers: ClinVar variation 180716 (VCV000180716.11), dbSNP rs377034924, ClinGen allele CA235303.
Genomic context (GRCh38, chr15:66,481,889, plus strand): 5'-CTCATCGACTCCATGGCCAACTCCTTCGTGGGCACAAGGTCCTACATGTCGGTATGAACA[G>A]AAGTTTCCATTGCTTGAGCTTCTTGTACGGTCAGGGAGAGGAGCCCAGTGGGTGCCTTTC-3'

ClinVar aggregate classification (germline): Likely benign. Review status: criteria provided, multiple submitters, no conflicts (2 of 4 stars). 3 submissions from 3 submitters: Likely benign (2). 1 of the submissions does not count toward it. Last evaluated 2026-02-02.

Conditions:
RASopathy. Also called: rasopathies; Noonan spectrum disorder. Identifiers: Orphanet 536391, MedGen C5555857, MONDO:0021060.

Allele frequency attached by ClinVar (database versions not stated): gnomAD exomes 0.00001 and 0.00002; gnomAD 0.00002 and 0.00003; ESP Exome Variant Server 0.00008; TOPMed 0.00002.
gnomAD v4.1: 26 of 1,613,142 alleles (0.0016%); highest among the groups gnomAD compares: Non-Finnish European, 0.002%; no homozygotes.

Submissions (3):

Labcorp Genetics (formerly Invitae), Labcorp
Classification: Likely benign for RASopathy. Last evaluated: 2026-02-02. Review status: criteria provided, single submitter. Criteria: Invitae Variant Classification Sherloc (09022015). Collection method: clinical testing. Allele origin: germline.

GeneDx
Classification: Likely benign. Last evaluated: 2018-03-06. Review status: criteria provided, single submitter. Criteria: GeneDx Variant Classification (06012015). Collection method: clinical testing. Allele origin: germline. Affected: yes.
Comment: This variant is considered likely benign or benign based on one or more of the following criteria: it is a conservative change, it occurs at a poorly conserved position in the protein, it is predicted to be benign by multiple in silico algorithms, and/or has population frequency not consistent with disease.

Greenwood Genetic Center Diagnostic Laboratories, Greenwood Genetic Center
Classification: Uncertain significance. Last evaluated: 2015-01-15. Review status: no assertion criteria provided. Collection method: clinical testing. Allele origin: germline. Not counted in ClinVar's aggregate classification.